The following is an entry in ClinVar:

NM_020529.3(NFKBIA):c.473C>G (p.Ala158Gly)

Gene: NFKBIA (NFKB inhibitor alpha; minus strand). Cytogenetic location: 14q13.2.
Variant type: single nucleotide variant.
Coding change: c.473C>G on transcript NM_020529.3 (MANE Select); coding-DNA position 473, C replaced by G.
Protein change: p.Ala158Gly; replaces alanine 158 with glycine.
Molecular consequence: missense variant.
Genome position (GRCh38, 1-based): chr14:35,403,224, G>C on the plus strand (C>G on the coding strand, the complement: NFKBIA is on the minus strand). VCF-style: chr14-35403224-G-C. GRCh37 (hg19) VCF-style: chr14-35872430-G-C.
Other names: short protein forms A158G.
Identifiers: ClinVar variation 2981964 (VCV002981964.3), dbSNP rs1199743715, ClinGen allele CA389453094.

ClinVar aggregate classification (germline): Uncertain significance (1 of 4 stars; one submission).

Conditions:
Ectodermal dysplasia and immunodeficiency 2. Identifiers: Orphanet 238468, Orphanet 98813, MedGen C2677481, MONDO:0012806, OMIM 612132.

Submission:

Labcorp Genetics (formerly Invitae), Labcorp
Classification: Uncertain significance for Ectodermal dysplasia and immunodeficiency 2. Last evaluated: 2023-04-18. Review status: criteria provided, single submitter. Criteria: Invitae Variant Classification Sherloc (09022015). Collection method: clinical testing. Allele origin: germline.
Comment: This sequence change replaces alanine, which is neutral and non-polar, with glycine, which is neutral and non-polar, at codon 158 of the NFKBIA protein (p.Ala158Gly). This variant is not present in population databases (gnomAD no frequency). This variant has not been reported in the literature in individuals affected with NFKBIA-related conditions. An algorithm developed to predict the effect of missense changes on protein structure and function (PolyPhen-2) suggests that this variant is likely to be tolerated. In summary, the available evidence is currently insufficient to determine the role of this variant in disease. Therefore, it has been classified as a Variant of Uncertain Significance.